The following is an entry in ClinVar:

NM_001942.4(DSG1):c.448A>G (p.Ile150Val)

Gene: DSG1 (desmoglein 1; plus strand). Cytogenetic location: 18q12.1.
Variant type: single nucleotide variant.
Coding change: c.448A>G on transcript NM_001942.4 (MANE Select); coding-DNA position 448, A replaced by G.
Protein change: p.Ile150Val; replaces isoleucine 150 with valine.
Molecular consequence: missense variant.
Genome position (GRCh38, 1-based): chr18:31,329,967, A>G. VCF-style: chr18-31329967-A-G. GRCh37 (hg19) VCF-style: chr18-28909930-A-G.
Other names: short protein forms I150V.
Identifiers: ClinVar variation 2993117 (VCV002993117.3), dbSNP rs140424661, ClinGen allele CA8925845.

ClinVar aggregate classification (germline): Uncertain significance (1 of 4 stars; one submission).

Allele frequency attached by ClinVar (database versions not stated): TOPMed 0.00003; ExAC 0.00004; gnomAD 0.00001; ESP Exome Variant Server 0.00008.
gnomAD v4.1: 18 of 1,613,268 alleles (0.0011%); highest among the groups gnomAD compares: Middle Eastern, 0.099%; no homozygotes.

Submission:

Labcorp Genetics (formerly Invitae), Labcorp
Classification: Uncertain significance. Last evaluated: 2025-08-14. Review status: criteria provided, single submitter. Criteria: Invitae Variant Classification Sherloc (09022015). Collection method: clinical testing. Allele origin: germline.
Comment: This sequence change replaces isoleucine, which is neutral and non-polar, with valine, which is neutral and non-polar, at codon 150 of the DSG1 protein (p.Ile150Val). This variant is present in population databases (rs140424661, gnomAD 0.007%). This variant has not been reported in the literature in individuals affected with DSG1-related conditions. ClinVar contains an entry for this variant (Variation ID: 2993117). Invitae Evidence Modeling of protein sequence and biophysical properties (such as structural, functional, and spatial information, amino acid conservation, physicochemical variation, residue mobility, and thermodynamic stability) indicates that this missense variant is not expected to disrupt DSG1 protein function with a negative predictive value of 80%. In summary, the available evidence is currently insufficient to determine the role of this variant in disease. Therefore, it has been classified as a Variant of Uncertain Significance.